The following is an entry in ClinVar:

ClinVar aggregate classification (germline): Uncertain significance (1 of 4 stars; one submission).

Conditions:
Pyogenic arthritis-pyoderma gangrenosum-acne syndrome (PAPA). Also called: FAMILIAL RECURRENT ARTHRITIS; PAPA SYNDROME. Identifiers: Orphanet 69126, MedGen C1858361, MONDO:0011462, OMIM 604416.

gnomAD v4.1: 1 of 1,592,598 alleles (0.000063%); no homozygotes.

Submission:

Labcorp Genetics (formerly Invitae), Labcorp
Classification: Uncertain significance for Pyogenic arthritis-pyoderma gangrenosum-acne syndrome. Last evaluated: 2023-08-07. Review status: criteria provided, single submitter. Criteria: Invitae Variant Classification Sherloc (09022015). Collection method: clinical testing. Allele origin: germline.
Comment: This sequence change replaces isoleucine, which is neutral and non-polar, with leucine, which is neutral and non-polar, at codon 161 of the PSTPIP1 protein (p.Ile161Leu). This variant is not present in population databases (gnomAD no frequency). This variant has not been reported in the literature in individuals affected with PSTPIP1-related conditions. Advanced modeling of protein sequence and biophysical properties (such as structural, functional, and spatial information, amino acid conservation, physicochemical variation, residue mobility, and thermodynamic stability) performed at Invitae indicates that this missense variant is not expected to disrupt PSTPIP1 protein function. In summary, the available evidence is currently insufficient to determine the role of this variant in disease. Therefore, it has been classified as a Variant of Uncertain Significance.

NM_003978.5(PSTPIP1):c.481A>C (p.Ile161Leu)

Gene: PSTPIP1 (proline-serine-threonine phosphatase interacting protein 1; plus strand). Cytogenetic location: 15q24.3.
Variant type: single nucleotide variant.
Coding change: c.481A>C on transcript NM_003978.5 (MANE Select); coding-DNA position 481, A replaced by C.
Protein change: p.Ile161Leu; replaces isoleucine 161 with leucine.
Molecular consequence: missense variant. On other transcripts: non-coding transcript variant (1).
Genome position (GRCh38, 1-based): chr15:77,028,617, A>C. VCF-style: chr15-77028617-A-C. GRCh37 (hg19) VCF-style: chr15-77320958-A-C.
Other names: c.481A>C, p.Ile161Leu (NM_001321135.2, NM_001411086.1); c.454A>C, p.Ile152Leu (NM_001321136.2); c.676A>C, p.Ile226Leu (NM_001321137.1); short protein forms I161L, I152L, I226L.
Identifiers: ClinVar variation 2792153 (VCV002792153.3), dbSNP rs2542827686, ClinGen allele CA393519872.